The following continues an entry in ClinVar:

NM_002576.5(PAK1):c.291G>A (p.Thr97=)

Gene: PAK1. ClinVar aggregate classification (germline): Benign.

Submissions 31 to 64 of 64:

Dr. Peter K. Rogan Lab, Western University
No classification provided (evidence only). Condition: Uterine corpus endometrial carcinoma. Review status: no classification provided. Collection method: in vitro. Allele origin: not applicable. Functional consequence: retained intron. Not counted in ClinVar's aggregate classification.

Dr. Peter K. Rogan Lab, Western University
No classification provided (evidence only). Condition: Cervical cancer. Review status: no classification provided. Collection method: in vitro. Allele origin: not applicable. Functional consequence: retained intron. Not counted in ClinVar's aggregate classification.

Dr. Peter K. Rogan Lab, Western University
No classification provided (evidence only). Condition: Cervical cancer. Review status: no classification provided. Collection method: in vitro. Allele origin: not applicable. Functional consequence: skipped exon. Not counted in ClinVar's aggregate classification.

Dr. Peter K. Rogan Lab, Western University
No classification provided (evidence only). Condition: Cervical cancer. Review status: no classification provided. Collection method: in vitro. Allele origin: not applicable. Functional consequence: retained intron. Not counted in ClinVar's aggregate classification.

Dr. Peter K. Rogan Lab, Western University
No classification provided (evidence only). Condition: Cervical cancer. Review status: no classification provided. Collection method: in vitro. Allele origin: not applicable. Functional consequence: skipped exon. Not counted in ClinVar's aggregate classification.

Dr. Peter K. Rogan Lab, Western University
No classification provided (evidence only). Condition: Cervical cancer. Review status: no classification provided. Collection method: in vitro. Allele origin: not applicable. Functional consequence: retained intron. Not counted in ClinVar's aggregate classification.

Dr. Peter K. Rogan Lab, Western University
No classification provided (evidence only). Condition: Sarcoma. Review status: no classification provided. Collection method: in vitro. Allele origin: not applicable. Functional consequence: retained intron. Not counted in ClinVar's aggregate classification.

Dr. Peter K. Rogan Lab, Western University
No classification provided (evidence only). Condition: Sarcoma. Review status: no classification provided. Collection method: in vitro. Allele origin: not applicable. Functional consequence: retained intron. Not counted in ClinVar's aggregate classification.

Dr. Peter K. Rogan Lab, Western University
No classification provided (evidence only). Condition: Sarcoma. Review status: no classification provided. Collection method: in vitro. Allele origin: not applicable. Functional consequence: skipped exon, retained intron. Not counted in ClinVar's aggregate classification.

Dr. Peter K. Rogan Lab, Western University
No classification provided (evidence only). Condition: Sarcoma. Review status: no classification provided. Collection method: in vitro. Allele origin: not applicable. Functional consequence: retained intron. Not counted in ClinVar's aggregate classification.

Dr. Peter K. Rogan Lab, Western University
No classification provided (evidence only). Condition: Hepatocellular carcinoma. Review status: no classification provided. Collection method: in vitro. Allele origin: not applicable. Functional consequence: retained intron. Not counted in ClinVar's aggregate classification.

Dr. Peter K. Rogan Lab, Western University
No classification provided (evidence only). Condition: Nonpapillary renal cell carcinoma. Review status: no classification provided. Collection method: in vitro. Allele origin: not applicable. Functional consequence: retained intron. Not counted in ClinVar's aggregate classification.

Dr. Peter K. Rogan Lab, Western University
No classification provided (evidence only). Condition: Nonpapillary renal cell carcinoma. Review status: no classification provided. Collection method: in vitro. Allele origin: not applicable. Functional consequence: retained intron. Not counted in ClinVar's aggregate classification.

Dr. Peter K. Rogan Lab, Western University
No classification provided (evidence only). Condition: Thymoma. Review status: no classification provided. Collection method: in vitro. Allele origin: not applicable. Functional consequence: retained intron. Not counted in ClinVar's aggregate classification.

Dr. Peter K. Rogan Lab, Western University
No classification provided (evidence only). Condition: Thymoma. Review status: no classification provided. Collection method: in vitro. Allele origin: not applicable. Functional consequence: skipped exon, retained intron. Not counted in ClinVar's aggregate classification.

Dr. Peter K. Rogan Lab, Western University
No classification provided (evidence only). Condition: Ovarian serous cystadenocarcinoma. Review status: no classification provided. Collection method: in vitro. Allele origin: not applicable. Functional consequence: retained intron. Not counted in ClinVar's aggregate classification.

Dr. Peter K. Rogan Lab, Western University
No classification provided (evidence only). Condition: Ovarian serous cystadenocarcinoma. Review status: no classification provided. Collection method: in vitro. Allele origin: not applicable. Functional consequence: retained intron. Not counted in ClinVar's aggregate classification.

Dr. Peter K. Rogan Lab, Western University
No classification provided (evidence only). Condition: Ovarian serous cystadenocarcinoma. Review status: no classification provided. Collection method: in vitro. Allele origin: not applicable. Functional consequence: retained intron. Not counted in ClinVar's aggregate classification.

Dr. Peter K. Rogan Lab, Western University
No classification provided (evidence only). Condition: Ovarian serous cystadenocarcinoma. Review status: no classification provided. Collection method: in vitro. Allele origin: not applicable. Functional consequence: retained intron. Not counted in ClinVar's aggregate classification.

Dr. Peter K. Rogan Lab, Western University
No classification provided (evidence only). Condition: Ovarian serous cystadenocarcinoma. Review status: no classification provided. Collection method: in vitro. Allele origin: not applicable. Functional consequence: retained intron. Not counted in ClinVar's aggregate classification.

Dr. Peter K. Rogan Lab, Western University
No classification provided (evidence only). Condition: Ovarian serous cystadenocarcinoma. Review status: no classification provided. Collection method: in vitro. Allele origin: not applicable. Functional consequence: retained intron. Not counted in ClinVar's aggregate classification.

Dr. Peter K. Rogan Lab, Western University
No classification provided (evidence only). Condition: Ovarian serous cystadenocarcinoma. Review status: no classification provided. Collection method: in vitro. Allele origin: not applicable. Functional consequence: retained intron. Not counted in ClinVar's aggregate classification.

Dr. Peter K. Rogan Lab, Western University
No classification provided (evidence only). Condition: Gastric cancer. Review status: no classification provided. Collection method: in vitro. Allele origin: not applicable. Functional consequence: retained intron. Not counted in ClinVar's aggregate classification.

Dr. Peter K. Rogan Lab, Western University
No classification provided (evidence only). Condition: Gastric cancer. Review status: no classification provided. Collection method: in vitro. Allele origin: not applicable. Functional consequence: retained intron. Not counted in ClinVar's aggregate classification.

Dr. Peter K. Rogan Lab, Western University
No classification provided (evidence only). Condition: Gastric cancer. Review status: no classification provided. Collection method: in vitro. Allele origin: not applicable. Functional consequence: retained intron. Not counted in ClinVar's aggregate classification.

Dr. Peter K. Rogan Lab, Western University
No classification provided (evidence only). Condition: Gastric cancer. Review status: no classification provided. Collection method: in vitro. Allele origin: not applicable. Functional consequence: retained intron. Not counted in ClinVar's aggregate classification.

Dr. Peter K. Rogan Lab, Western University
No classification provided (evidence only). Condition: Gastric cancer. Review status: no classification provided. Collection method: in vitro. Allele origin: not applicable. Functional consequence: retained intron. Not counted in ClinVar's aggregate classification.

Dr. Peter K. Rogan Lab, Western University
No classification provided (evidence only). Condition: Gastric cancer. Review status: no classification provided. Collection method: in vitro. Allele origin: not applicable. Functional consequence: retained intron. Not counted in ClinVar's aggregate classification.

Dr. Peter K. Rogan Lab, Western University
No classification provided (evidence only). Condition: Adrenocortical carcinoma, hereditary. Review status: no classification provided. Collection method: in vitro. Allele origin: not applicable. Functional consequence: retained intron. Not counted in ClinVar's aggregate classification.

Dr. Peter K. Rogan Lab, Western University
No classification provided (evidence only). Condition: Uterine carcinosarcoma. Review status: no classification provided. Collection method: in vitro. Allele origin: not applicable. Functional consequence: retained intron. Not counted in ClinVar's aggregate classification.

Dr. Peter K. Rogan Lab, Western University
No classification provided (evidence only). Condition: Malignant tumor of esophagus. Review status: no classification provided. Collection method: in vitro. Allele origin: not applicable. Functional consequence: retained intron. Not counted in ClinVar's aggregate classification.

Dr. Peter K. Rogan Lab, Western University
No classification provided (evidence only). Condition: Malignant tumor of esophagus. Review status: no classification provided. Collection method: in vitro. Allele origin: not applicable. Functional consequence: skipped exon, retained intron. Not counted in ClinVar's aggregate classification.

Dr. Peter K. Rogan Lab, Western University
No classification provided (evidence only). Condition: Malignant tumor of esophagus. Review status: no classification provided. Collection method: in vitro. Allele origin: not applicable. Functional consequence: retained intron. Not counted in ClinVar's aggregate classification.

Dr. Peter K. Rogan Lab, Western University
No classification provided (evidence only). Condition: Malignant tumor of esophagus. Review status: no classification provided. Collection method: in vitro. Allele origin: not applicable. Functional consequence: retained intron. Not counted in ClinVar's aggregate classification.